The following is an entry in ClinVar:

ClinVar aggregate classification (germline): Uncertain significance (1 of 4 stars; one submission).

Submission:

GeneDx
Classification: Uncertain significance. Last evaluated: 2024-09-12. Review status: criteria provided, single submitter. Criteria: GeneDx Variant Classification Process June 2021. Collection method: clinical testing. Allele origin: germline. Affected: yes.
Comment: Not observed at significant frequency in large population cohorts (gnomAD); In-frame deletion of 1 amino acid(s) in a non-repeat region; In silico analysis supports a deleterious effect on protein structure/function; Has not been previously published as pathogenic or benign to our knowledge

NM_006734.4(HIVEP2):c.2707_2709del (p.Glu903del)

Gene: HIVEP2 (HIVEP zinc finger 2; minus strand). Cytogenetic location: 6q24.2.
Variant type: Deletion.
Coding change: c.2707_2709del on transcript NM_006734.4 (MANE Select); coding-DNA positions 2707 to 2709, 3 bases deleted (GAG; older notation c.2707_2709delGAG).
Protein change: p.Glu903del; deletes glutamic acid 903.
Genome position (GRCh38, 1-based): chr6:142,772,030-142,772,032, CTC deleted on the plus strand (GAG on the coding strand, the reverse complement: HIVEP2 is on the minus strand); deleting any 3 consecutive bases within chr6:142,772,030-142,772,034 gives the same sequence; the c. name uses the placement nearest the transcript's 3' end. VCF-style (leftmost placement, unchanged base first): chr6-142772029-TCTC-T. GRCh37 (hg19) VCF-style: chr6-143093166-TCTC-T.
Other names: short protein forms E903del.
Identifiers: ClinVar variation 3769688 (VCV003769688.1).